The following is an entry in ClinVar:

ClinVar aggregate classification (germline): Uncertain significance (1 of 4 stars; one submission).

gnomAD v4.1: 1 of 1,614,060 alleles (0.000062%); highest among the groups gnomAD compares: Non-Finnish European, 0.000085%; no homozygotes.

Submission:

GeneDx
Classification: Uncertain significance. Last evaluated: 2024-07-19. Review status: criteria provided, single submitter. Criteria: GeneDx Variant Classification Process June 2021. Collection method: clinical testing. Allele origin: germline. Affected: yes.
Comment: Not observed at significant frequency in large population cohorts (gnomAD); In silico analysis supports that this missense variant has a deleterious effect on protein structure/function; Has not been previously published as pathogenic or benign to our knowledge

NM_004519.4(KCNQ3):c.1928A>G (p.His643Arg)

Gene: KCNQ3 (potassium voltage-gated channel subfamily Q member 3; minus strand). Cytogenetic location: 8q24.22.
Variant type: single nucleotide variant.
Coding change: c.1928A>G on transcript NM_004519.4 (MANE Select); coding-DNA position 1928, A replaced by G.
Protein change: p.His643Arg; replaces histidine 643 with arginine.
Molecular consequence: missense variant.
Genome position (GRCh38, 1-based): chr8:132,129,953, T>C on the plus strand (A>G on the coding strand, the complement: KCNQ3 is on the minus strand). VCF-style: chr8-132129953-T-C. GRCh37 (hg19) VCF-style: chr8-133142200-T-C.
Other names: c.1568A>G, p.His523Arg (NM_001204824.2); short protein forms H523R, H643R.
Identifiers: ClinVar variation 3573910 (VCV003573910.1).